The following is an entry in ClinVar:

NM_000552.5(VWF):c.3789G>A (p.Ser1263=)

Gene: VWF (von Willebrand factor; minus strand). Cytogenetic location: 12p13.31.
Variant type: single nucleotide variant.
Coding change: c.3789G>A on transcript NM_000552.5 (MANE Select); coding-DNA position 3789, G replaced by A.
Protein change: p.Ser1263=; no amino-acid change (serine 1263 retained).
Molecular consequence: synonymous variant.
Genome position (GRCh38, 1-based): chr12:6,019,629, C>T on the plus strand (G>A on the coding strand, the complement: VWF is on the minus strand). VCF-style: chr12-6019629-C-T. GRCh37 (hg19) VCF-style: chr12-6128795-C-T.
Other names: p.Ser1263=; c.3789G>A (NM_000552.4).
Identifiers: ClinVar variation 256674 (VCV000256674.63), dbSNP rs199831474, ClinGen allele CA6402669.
Genomic context (GRCh38, chr12:6,019,629, plus strand): 5'-ATCCAGCAGGAAGACCAGGTCCAGTAGCCTGCTGCAGTAGAAATCGTGCAACGGCGGTTC[C>T]GAGATGTCCTCCACATACAGAGTGGTGGGGCTCACCGGGGCATCTGTGGGAGGCACCACC-3'
Protein context (NP_000543.3, residues 1253-1273): SPTTLYVEDI[Ser1263=]EPPLHDFYCS

ClinVar aggregate classification (germline): Conflicting classifications of pathogenicity. Review status: criteria provided, conflicting classifications (1 of 4 stars). 13 submissions from 11 submitters: Uncertain significance (1); Benign (5); Likely benign (5). 2 of the submissions do not count toward it. Last evaluated 2026-08-01.

Conditions:
von Willebrand disease type 2 (VWD2). Also called: VON WILLEBRAND DISEASE, TYPE 2A/IIE; VON WILLEBRAND DISEASE, TYPE 2CB; VWD, TYPE 2; VON WILLEBRAND DISEASE, TYPE II. Identifiers: Orphanet 166081, Orphanet 903, MedGen C1264040, MONDO:0013304, OMIM 613554.
von Willebrand disease type 1 (VWD1). Also called: VWD, TYPE 1; VON WILLEBRAND DISEASE, TYPE I. Identifiers: Orphanet 166078, Orphanet 903, MedGen C1264039, MONDO:0008668, OMIM 193400. Inheritance: autosomal recessive or autosomal dominant.
von Willebrand disease type 3 (VWD3). Also called: Type 3 Von Willebrand's disease; Type 3 VWD; Von Willebrand disease, severe form; V WD3; VON WILLEBRAND DISEASE, TYPE III. Identifiers: Orphanet 166096, MedGen C1264041, MONDO:0010191, OMIM 277480.

Allele frequency attached by ClinVar (database versions not stated): ESP Exome Variant Server 0.00015; gnomAD exomes 0.00134 and 0.00168; gnomAD 0.00146 and 0.00170; TOPMed 0.00159; ExAC 0.00170; 1000 Genomes Project 30x 0.00297; 1000 Genomes Project 0.00319.
gnomAD v4.1: 2,256 of 1,611,968 alleles (0.14%); highest among the groups gnomAD compares: South Asian, 0.46%; 6 homozygotes.

Submissions (13):

CeGaT Center for Human Genetics Tuebingen
Classification: Likely benign. Last evaluated: 2026-08-01. Review status: criteria provided, single submitter. Criteria: CeGaT Center For Human Genetics Tuebingen Variant Classification Criteria Version 2. Collection method: clinical testing. Allele origin: germline. Affected: yes. Observed: 9 variant alleles.
Comment: VWF: BP4, BP7

ARUP Laboratories, Molecular Genetics and Genomics, ARUP Laboratories
Classification: Benign. Last evaluated: 2024-12-12. Review status: criteria provided, single submitter. Criteria: ARUP Molecular Germline Variant Investigation Process 2024. Collection method: clinical testing. Allele origin: germline.

Blueprint Genetics
Classification: Likely benign. Last evaluated: 2024-11-27. Review status: criteria provided, single submitter. Criteria: ACMG Guidelines, 2015. Collection method: clinical testing. Allele origin: germline.

Mayo Clinic Laboratories, Mayo Clinic
Classification: Uncertain significance. Last evaluated: 2024-09-06. Review status: criteria provided, single submitter. Criteria: ACMG Guidelines, 2015. Collection method: clinical testing. Allele origin: germline. Observed: 5 variant alleles.
Comment: BP4, BP7, PS3

Quest Diagnostics Nichols Institute San Juan Capistrano
Classification: Likely benign. Last evaluated: 2022-06-17. Review status: criteria provided, single submitter. Criteria: Quest Diagnostics criteria. Collection method: clinical testing. Allele origin: unknown.

Genome-Nilou Lab
Classification: Benign for von Willebrand disease type 1. Last evaluated: 2021-12-05. Review status: criteria provided, single submitter. Criteria: ACMG Guidelines, 2015. Collection method: clinical testing. Allele origin: germline. Affected: no.

Genome-Nilou Lab
Classification: Benign for von Willebrand disease type 3. Last evaluated: 2021-12-05. Review status: criteria provided, single submitter. Criteria: ACMG Guidelines, 2015. Collection method: clinical testing. Allele origin: germline. Affected: no.

Genome-Nilou Lab
Classification: Benign for von Willebrand disease type 2. Last evaluated: 2021-12-05. Review status: criteria provided, single submitter. Criteria: ACMG Guidelines, 2015. Collection method: clinical testing. Allele origin: germline. Affected: no.

GeneDx
Classification: Likely benign. Last evaluated: 2018-12-10. Review status: criteria provided, single submitter. Criteria: GeneDx Variant Classification Process June 2021. Collection method: clinical testing. Allele origin: germline. Affected: yes.

Breakthrough Genomics
Classification: Likely benign. Review status: criteria provided, single submitter. Criteria: ACMG Guidelines, 2015. Collection method: not provided. Allele origin: germline. Inheritance: Autosomal recessive inheritance. Affected: yes.

PreventionGenetics, part of Exact Sciences
Classification: Benign. Review status: criteria provided, single submitter. Criteria: ACMG Guidelines, 2015. Collection method: clinical testing. Allele origin: germline.

Clinical Genetics DNA and cytogenetics Diagnostics Lab, Erasmus MC, Erasmus Medical Center
Classification: Likely benign. Review status: no assertion criteria provided. Collection method: clinical testing. Allele origin: germline. Affected: yes. Study: VKGL Data-share Consensus. Not counted in ClinVar's aggregate classification.

Joint Genome Diagnostic Labs from Nijmegen and Maastricht, Radboudumc and MUMC+
Classification: Benign. Review status: no assertion criteria provided. Collection method: clinical testing. Allele origin: germline. Affected: yes. Study: VKGL Data-share Consensus. Not counted in ClinVar's aggregate classification.

Literature cited by the submitters: PubMed 16115133 (cited by Mayo Clinic Laboratories, Mayo Clinic and Quest Diagnostics Nichols Institute San Juan Capistrano); PubMed 16985174 (cited by Mayo Clinic Laboratories, Mayo Clinic and Quest Diagnostics Nichols Institute San Juan Capistrano); PubMed 18315546 (cited by Mayo Clinic Laboratories, Mayo Clinic and Quest Diagnostics Nichols Institute San Juan Capistrano); PubMed 18485763 (cited by Mayo Clinic Laboratories, Mayo Clinic and Quest Diagnostics Nichols Institute San Juan Capistrano); PubMed 18805962 (cited by Mayo Clinic Laboratories, Mayo Clinic and Quest Diagnostics Nichols Institute San Juan Capistrano); PubMed 24675615 (cited by Mayo Clinic Laboratories, Mayo Clinic and Quest Diagnostics Nichols Institute San Juan Capistrano); PubMed 30488424 (cited by Mayo Clinic Laboratories, Mayo Clinic and Quest Diagnostics Nichols Institute San Juan Capistrano); PubMed 37168293 (cited by Mayo Clinic Laboratories, Mayo Clinic); PubMed 8134377 (cited by Mayo Clinic Laboratories, Mayo Clinic and Quest Diagnostics Nichols Institute San Juan Capistrano); PubMed 34758185 (cited by Quest Diagnostics Nichols Institute San Juan Capistrano); PubMed 19431182 (cited by Quest Diagnostics Nichols Institute San Juan Capistrano).